The following is an entry in ClinVar:

NM_001110556.2(FLNA):c.4843C>T (p.Arg1615Cys)

Gene: FLNA (filamin A; minus strand). Cytogenetic location: Xq28.
Variant type: single nucleotide variant.
Coding change: c.4843C>T on transcript NM_001110556.2 (MANE Select); coding-DNA position 4843, C replaced by T.
Protein change: p.Arg1615Cys; replaces arginine 1615 with cysteine.
Molecular consequence: missense variant.
Genome position (GRCh38, 1-based): chrX:154,357,536, G>A on the plus strand (C>T on the coding strand, the complement: FLNA is on the minus strand). VCF-style: chrX-154357536-G-A. GRCh37 (hg19) VCF-style: chrX-153585904-G-A.
Other names: c.4843C>T, p.Arg1615Cys (NM_001456.4); short protein forms R1615C.
Identifiers: ClinVar variation 547385 (VCV000547385.3), dbSNP rs1557177091, ClinGen allele CA415214037.

ClinVar aggregate classification (germline): Uncertain significance. Review status: criteria provided, multiple submitters, no conflicts (2 of 4 stars). 2 submissions from 2 submitters: Uncertain significance (2). Last evaluated 2019-04-16.

Conditions:
Connective tissue disorder. Also called: Connective tissue disease. Identifiers: MedGen C0009782, MONDO:0003900.

Allele frequency attached by ClinVar (database versions not stated): gnomAD exomes below 0.00001 and 0.00001.
gnomAD v4.1: 4 of 1,210,776 alleles (0.00033%); highest among the groups gnomAD compares: South Asian, 0.0053%; no homozygotes.

Submissions (2):

GeneDx
Classification: Uncertain significance. Last evaluated: 2019-04-16. Review status: criteria provided, single submitter. Criteria: GeneDx Variant Classification Process June 2021. Collection method: clinical testing. Allele origin: germline. Affected: yes.
Comment: Not observed at a significant frequency in large population cohorts (Lek et al., 2016); In silico analysis, which includes protein predictors and evolutionary conservation, supports a deleterious effect; Has not been previously published as pathogenic or benign to our knowledge

Center for Human Genetics, Inc
Classification: Uncertain significance for Connective tissue disorder. Last evaluated: 2016-11-01. Review status: criteria provided, single submitter. Criteria: ACMG Guidelines, 2015. Collection method: clinical testing. Allele origin: germline. Affected: yes.